The following is an entry in ClinVar:

NM_024915.4(GRHL2):c.256A>G (p.Ser86Gly)

Gene: GRHL2 (grainyhead like transcription factor 2; plus strand). Cytogenetic location: 8q22.3.
Variant type: single nucleotide variant.
Coding change: c.256A>G on transcript NM_024915.4 (MANE Select); coding-DNA position 256, A replaced by G.
Protein change: p.Ser86Gly; replaces serine 86 with glycine.
Molecular consequence: missense variant.
Genome position (GRCh38, 1-based): chr8:101,552,754, A>G. VCF-style: chr8-101552754-A-G. GRCh37 (hg19) VCF-style: chr8-102564982-A-G.
Other names: c.208A>G, p.Ser70Gly (NM_001330593.2); short protein forms S70G, S86G.
Identifiers: ClinVar variation 2500654 (VCV002500654.1), dbSNP rs2536815013, ClinGen allele CA371643547.

ClinVar aggregate classification (germline): Uncertain significance (1 of 4 stars; one submission).

Submission:

GeneDx
Classification: Uncertain significance. Last evaluated: 2022-10-28. Review status: criteria provided, single submitter. Criteria: GeneDx Variant Classification Process June 2021. Collection method: clinical testing. Allele origin: germline. Affected: yes.
Comment: Not observed at significant frequency in large population cohorts (gnomAD); In silico analysis supports that this missense variant does not alter protein structure/function; Has not been previously published as pathogenic or benign to our knowledge